The following is an entry in ClinVar:

ClinVar aggregate classification (germline): Uncertain significance (1 of 4 stars; one submission).

Allele frequency attached by ClinVar (database versions not stated): TOPMed below 0.00001; gnomAD 0.00001; ExAC 0.00002; gnomAD exomes 0.00002.
gnomAD v4.1: 10 of 1,614,056 alleles (0.00062%); highest among the groups gnomAD compares: South Asian, 0.011%; no homozygotes.

Submission:

Labcorp Genetics (formerly Invitae), Labcorp
Classification: Uncertain significance. Last evaluated: 2024-01-02. Review status: criteria provided, single submitter. Criteria: Invitae Variant Classification Sherloc (09022015). Collection method: clinical testing. Allele origin: germline.
Comment: This sequence change replaces cysteine, which is neutral and slightly polar, with arginine, which is basic and polar, at codon 906 of the MERTK protein (p.Cys906Arg). This variant is present in population databases (rs765360858, gnomAD 0.01%). This variant has not been reported in the literature in individuals affected with MERTK-related conditions. ClinVar contains an entry for this variant (Variation ID: 2116961). Advanced modeling of protein sequence and biophysical properties (such as structural, functional, and spatial information, amino acid conservation, physicochemical variation, residue mobility, and thermodynamic stability) has been performed at Invitae for this missense variant, however the output from this modeling did not meet the statistical confidence thresholds required to predict the impact of this variant on MERTK protein function. In summary, the available evidence is currently insufficient to determine the role of this variant in disease. Therefore, it has been classified as a Variant of Uncertain Significance.

NM_006343.3(MERTK):c.2716T>C (p.Cys906Arg)

Gene: MERTK (MER proto-oncogene, tyrosine kinase; plus strand). Cytogenetic location: 2q13.
Variant type: single nucleotide variant.
Coding change: c.2716T>C on transcript NM_006343.3 (MANE Select); coding-DNA position 2716, T replaced by C.
Protein change: p.Cys906Arg; replaces cysteine 906 with arginine.
Molecular consequence: missense variant.
Genome position (GRCh38, 1-based): chr2:112,028,580, T>C. VCF-style: chr2-112028580-T-C. GRCh37 (hg19) VCF-style: chr2-112786157-T-C.
Other names: short protein forms C906R.
Identifiers: ClinVar variation 2116961 (VCV002116961.4), dbSNP rs765360858, ClinGen allele CA1831953.